The following is an entry in ClinVar:

ClinVar aggregate classification (germline): Uncertain significance (1 of 4 stars; one submission).

Allele frequency attached by ClinVar (database versions not stated): TOPMed 0.00001.

Submission:

Labcorp Genetics (formerly Invitae), Labcorp
Classification: Uncertain significance. Last evaluated: 2022-09-01. Review status: criteria provided, single submitter. Criteria: Invitae Variant Classification Sherloc (09022015). Collection method: clinical testing. Allele origin: germline.
Comment: This sequence change falls in intron 6 of the STX3 gene. It does not directly change the encoded amino acid sequence of the STX3 protein. This variant is not present in population databases (gnomAD no frequency). This variant has not been reported in the literature in individuals affected with STX3-related conditions. Algorithms developed to predict the effect of sequence changes on RNA splicing suggest that this variant may disrupt the consensus splice site. In summary, the available evidence is currently insufficient to determine the role of this variant in disease. Therefore, it has been classified as a Variant of Uncertain Significance.

NM_004177.5(STX3):c.466+14G>T

Gene: STX3 (syntaxin 3; plus strand). Cytogenetic location: 11q12.1.
Variant type: single nucleotide variant.
Coding change: c.466+14G>T on transcript NM_004177.5 (MANE Select); 14 bases into the intron after coding-DNA position 466, G replaced by T.
Molecular consequence: intron variant.
Genome position (GRCh38, 1-based): chr11:59,792,229, G>T. VCF-style: chr11-59792229-G-T. GRCh37 (hg19) VCF-style: chr11-59559702-G-T.
Other names: c.466+14G>T (NM_001440524.1, NM_001440526.1, NM_001440529.1 and 6 more transcripts); c.445+14G>T (NM_001440530.1); c.460+14G>T (NM_001440528.1).
Identifiers: ClinVar variation 2116399 (VCV002116399.4), dbSNP rs1865224163, ClinGen allele CA1976563628.
Genomic context (GRCh38, chr11:59,792,229, plus strand): 5'-CTTCCGAGAACGCAGCAAAGGGCGAATCCAGCGGCAGCTCGAAATTAGTATGTACTTGAG[G>T]TTTGGCGTGTGCCCTCCACCTTTCCTGCCACCTGGTTGTCCATCCCAAGTTTTGAGGCCC-3'